The following is an entry in ClinVar:

NM_000138.5(FBN1):c.2747T>G (p.Val916Gly)

Gene: FBN1 (fibrillin 1; minus strand). Cytogenetic location: 15q21.1.
Variant type: single nucleotide variant.
Coding change: c.2747T>G on transcript NM_000138.5 (MANE Select); coding-DNA position 2747, T replaced by G.
Protein change: p.Val916Gly; replaces valine 916 with glycine.
Molecular consequence: missense variant.
Genome position (GRCh38, 1-based): chr15:48,492,568, A>C on the plus strand (T>G on the coding strand, the complement: FBN1 is on the minus strand). VCF-style: chr15-48492568-A-C. GRCh37 (hg19) VCF-style: chr15-48784765-A-C.
Other names: short protein forms V916G.
Identifiers: ClinVar variation 920776 (VCV000920776.4), dbSNP rs2043569786, ClinGen allele CA392330838.
Genomic context (GRCh38, chr15:48,492,568, plus strand): 5'-TGACACTTGAATGACCCCCTAGTGTTAACACACAGGCCATTTTTACACACTCCTGGGAAC[A>C]CTTCACATTCATCTATATCTAAAAAGAAAAAAAAAGTATAAAGTTAATATATCTTTATAA-3'
Protein context (NP_000129.3, residues 906-926): TQCEDIDECE[Val916Gly]FPGVCKNGLC

ClinVar aggregate classification (germline): Uncertain significance (1 of 4 stars; one submission).

Conditions:
Familial thoracic aortic aneurysm and aortic dissection (TAAD). Also called: Thoracic aortic aneurysms and dissections. Identifiers: Orphanet 91387, MedGen C4707243, MONDO:0019625.

Submission:

Color Diagnostics, LLC DBA Color Health
Classification: Uncertain significance for Familial thoracic aortic aneurysm and aortic dissection. Last evaluated: 2024-03-06. Review status: criteria provided, single submitter. Criteria: ACMG Guidelines, 2015. Collection method: clinical testing. Allele origin: germline.
Comment: This missense variant replaces valine with glycine at codon 916 of the FBN1 protein. Computational prediction tool suggests that this variant may have deleterious impact on protein structure and function (internally defined REVEL score threshold >=0.7, PMID: 27666373). Splice site prediction tools suggest that this variant may not impact RNA splicing. To our knowledge, functional studies have not been performed for this variant. This variant has not been reported in individuals affected with cardiovascular disorders in the literature. This variant has not been identified in the general population by the Genome Aggregation Database (gnomAD). The available evidence is insufficient to determine the role of this variant in disease conclusively. Therefore, this variant is classified as a Variant of Uncertain Significance.